The following is an entry in ClinVar:

NM_001267550.2(TTN):c.101282G>A (p.Arg33761Gln)

Genes: TTN (titin; minus strand), TTN-AS1 (TTN antisense RNA 1; plus strand). Cytogenetic location: 2q31.2.
Variant type: single nucleotide variant.
Coding change: c.101282G>A on transcript NM_001267550.2 (MANE Select); coding-DNA position 101282, G replaced by A.
Protein change: p.Arg33761Gln; replaces arginine 33761 with glutamine.
Molecular consequence: missense variant.
Genome position (GRCh38, 1-based): chr2:178,535,333, C>T on the plus strand (G>A on the coding strand, the complement: TTN is on the minus strand). VCF-style: chr2-178535333-C-T. GRCh37 (hg19) VCF-style: chr2-179400060-C-T.
Other names: c.96359G>A, p.Arg32120Gln (NM_001256850.1); c.74087G>A, p.Arg24696Gln (NM_003319.4); c.93578G>A, p.Arg31193Gln (NM_133378.4); c.74462G>A, p.Arg24821Gln (NM_133432.3); c.74663G>A, p.Arg24888Gln (NM_133437.4); short protein forms R24888Q, R24696Q, R24821Q, R31193Q, R32120Q, R33761Q.
Identifiers: ClinVar variation 915607 (VCV000915607.40), dbSNP rs774790424, ClinGen allele CA1985906.
Genomic context (GRCh38, chr2:178,535,333, plus strand): 5'-ATGGTTGGTTCTGAAGGCTCTGAAGGCTTGCTCAGACCAAATTTATTTTCAGCTATTACC[C>T]GGAACTGGTAACTTGTTTTTCCAAATAAGTTGATCACGGTATAACGTGTTTCTCGGGCCT-3'
Protein context (NP_001254479.2, residues 33751-33771): NLFGKTSYQF[Arg33761Gln]VIAENKFGLS

ClinVar aggregate classification (germline): Uncertain significance. Review status: criteria provided, multiple submitters, no conflicts (2 of 4 stars). 6 submissions from 6 submitters: Uncertain significance (4). 2 of the submissions do not count toward it. Last evaluated 2025-11-11.

Conditions:
Dilated cardiomyopathy 1G (CMD1G). Identifiers: Orphanet 154, MedGen C1858763, MONDO:0011400, OMIM 604145.
Autosomal recessive limb-girdle muscular dystrophy type 2J (LGMDR10). Also called: Limb-girdle muscular dystrophy, type 2J; MUSCULAR DYSTROPHY, LIMB-GIRDLE, AUTOSOMAL RECESSIVE 10. Identifiers: Orphanet 140922, MedGen C1837342, MONDO:0012127, OMIM 608807.
Cardiomyopathy (CMYO). Also called: Cardiomyopathies. Identifiers: Orphanet 167848, MedGen C0878544, MONDO:0004994, HP:0001638. Inheritance: Various modes of inheritance.

Allele frequency attached by ClinVar (database versions not stated): gnomAD exomes 0.00001 and 0.00002; ExAC 0.00002; gnomAD 0.00002.
gnomAD v4.1: 20 of 1,613,754 alleles (0.0012%); highest among the groups gnomAD compares: East Asian, 0.0022%; no homozygotes.

Submissions (6):

Labcorp Genetics (formerly Invitae), Labcorp
Classification: Uncertain significance for Dilated cardiomyopathy 1G; Autosomal recessive limb-girdle muscular dystrophy type 2J. Last evaluated: 2025-11-11. Review status: criteria provided, single submitter. Criteria: Invitae Variant Classification Sherloc (09022015). Collection method: clinical testing. Allele origin: germline.
Comment: This sequence change replaces arginine, which is basic and polar, with glutamine, which is neutral and polar, at codon 33761 of the TTN protein (p.Arg33761Gln). This variant is present in population databases (rs774790424, gnomAD 0.004%). This missense change has been observed in individual(s) with hypertrophic cardiomyopathy (PMID: 30847666). This variant is also known as c.93578G>A (p.Arg31193Gln). ClinVar contains an entry for this variant (Variation ID: 915607). Experimental studies and prediction algorithms are not available or were not evaluated, and the functional significance of this variant is currently unknown. This variant is located in the M band of TTN (PMID: 25589632). Non-truncating variants in this region may be relevant for neuromuscular disorders, but have not been definitively shown to cause cardiomyopathy (PMID: 23975875). In summary, the available evidence is currently insufficient to determine the role of this variant in disease. Therefore, it has been classified as a Variant of Uncertain Significance.

Revvity Omics, Revvity
Classification: Uncertain significance. Last evaluated: 2024-09-19. Review status: criteria provided, single submitter. Criteria: ACMG Guidelines, 2015. Collection method: clinical testing. Allele origin: germline.

CeGaT Center for Human Genetics Tuebingen
Classification: Uncertain significance. Last evaluated: 2023-03-01. Review status: criteria provided, single submitter. Criteria: CeGaT Center For Human Genetics Tuebingen Variant Classification Criteria Version 2. Collection method: clinical testing. Allele origin: germline. Affected: yes. Observed: 1 variant allele.
Comment: TTN: PM2, BP4

CHEO Genetics Diagnostic Laboratory, Children's Hospital of Eastern Ontario
Classification: Uncertain significance for Cardiomyopathy. Last evaluated: 2018-12-20. Review status: criteria provided, single submitter. Criteria: ACMG Guidelines, 2015. Collection method: clinical testing. Allele origin: germline.

Clinical Genetics, Academic Medical Center
Classification: Uncertain significance. Review status: no assertion criteria provided. Collection method: clinical testing. Allele origin: germline. Affected: yes. Study: VKGL Data-share Consensus. Not counted in ClinVar's aggregate classification.

Diagnostic Laboratory, Department of Genetics, University Medical Center Groningen
Classification: Uncertain significance. Review status: no assertion criteria provided. Collection method: clinical testing. Allele origin: germline. Affected: yes. Study: VKGL Data-share Consensus. Not counted in ClinVar's aggregate classification.

Literature cited by the submitters: PubMed 30847666 (cited by Labcorp Genetics (formerly Invitae), Labcorp); PubMed 25589632 (cited by Labcorp Genetics (formerly Invitae), Labcorp); PubMed 23975875 (cited by Labcorp Genetics (formerly Invitae), Labcorp).